The following is an entry in ClinVar:

NM_000361.3(THBD):c.1694A>G (p.His565Arg)

Gene: THBD (thrombomodulin; minus strand). Cytogenetic location: 20p11.21.
Variant type: single nucleotide variant.
Coding change: c.1694A>G on transcript NM_000361.3 (MANE Select); coding-DNA position 1694, A replaced by G.
Protein change: p.His565Arg; replaces histidine 565 with arginine.
Molecular consequence: missense variant.
Genome position (GRCh38, 1-based): chr20:23,047,811, T>C on the plus strand (A>G on the coding strand, the complement: THBD is on the minus strand). VCF-style: chr20-23047811-T-C. GRCh37 (hg19) VCF-style: chr20-23028448-T-C.
Other names: short protein forms H565R.
Identifiers: ClinVar variation 2857711 (VCV002857711.3), dbSNP rs2515202175, ClinGen allele CA408404999.
Genomic context (GRCh38, chr20:23,047,811, plus strand): 5'-GAGCCAGGCTCCTGGACGGAGGCCGCTCAGAGTCTCTGCGGCGTCCGCTCGGTCCGCACG[T>C]GCTGCAGCACTACCTCCTTGGAAGGGGCCGCGCACTTGTACTCCATCTTGGCCCTGGCGG-3'
Protein context (NP_000352.1, residues 555-575): AAPSKEVVLQ[His565Arg]VRTERTPQRL

ClinVar aggregate classification (germline): Uncertain significance (1 of 4 stars; one submission).

Submission:

Labcorp Genetics (formerly Invitae), Labcorp
Classification: Uncertain significance. Last evaluated: 2023-04-20. Review status: criteria provided, single submitter. Criteria: Invitae Variant Classification Sherloc (09022015). Collection method: clinical testing. Allele origin: germline.
Comment: This sequence change replaces histidine, which is basic and polar, with arginine, which is basic and polar, at codon 565 of the THBD protein (p.His565Arg). In summary, the available evidence is currently insufficient to determine the role of this variant in disease. Therefore, it has been classified as a Variant of Uncertain Significance. Algorithms developed to predict the effect of missense changes on protein structure and function output the following: SIFT: "Not Available"; PolyPhen-2: "Benign"; Align-GVGD: "Not Available". The arginine amino acid residue is found in multiple mammalian species, which suggests that this missense change does not adversely affect protein function. This variant has not been reported in the literature in individuals affected with THBD-related conditions. This variant is not present in population databases (gnomAD no frequency).